The following is an entry in ClinVar:

NM_001364171.2(ODAD1):c.482G>A (p.Arg161Lys)

Gene: ODAD1 (outer dynein arm docking complex subunit 1; minus strand). Cytogenetic location: 19q13.33.
Variant type: single nucleotide variant.
Coding change: c.482G>A on transcript NM_001364171.2 (MANE Select); coding-DNA position 482, G replaced by A.
Protein change: p.Arg161Lys; replaces arginine 161 with lysine.
Molecular consequence: missense variant.
Genome position (GRCh38, 1-based): chr19:48,311,995, C>T on the plus strand (G>A on the coding strand, the complement: ODAD1 is on the minus strand). VCF-style: chr19-48311995-C-T. GRCh37 (hg19) VCF-style: chr19-48815252-C-T.
Other names: c.371G>A, p.Arg124Lys (NM_144577.4); c.371G>A (NM_144577.3); short protein forms R124K, R161K.
Identifiers: ClinVar variation 1682893 (VCV001682893.7), dbSNP rs1449020201, ClinGen allele CA406664478.

ClinVar aggregate classification (germline): Uncertain significance. Review status: criteria provided, multiple submitters, no conflicts (2 of 4 stars). 2 submissions from 2 submitters: Uncertain significance (2). Last evaluated 2025-01-26.

Conditions:
Primary ciliary dyskinesia. Also called: Ciliary dyskinesia. Identifiers: Orphanet 244, MedGen C0008780, MONDO:0016575, HP:0012265.

Allele frequency attached by ClinVar (database versions not stated): TOPMed below 0.00001; gnomAD 0.00001; gnomAD exomes 0.00001.
gnomAD v4.1: 10 of 1,550,990 alleles (0.00064%); highest among the groups gnomAD compares: Non-Finnish European, 0.00087%; no homozygotes.

Submissions (2):

Ambry Genetics
Classification: Uncertain significance for Primary ciliary dyskinesia. Last evaluated: 2025-01-26. Review status: criteria provided, single submitter. Criteria: Ambry Variant Classification Scheme 2023. Collection method: clinical testing. Allele origin: germline.

Labcorp Genetics (formerly Invitae), Labcorp
Classification: Uncertain significance for Primary ciliary dyskinesia. Last evaluated: 2021-07-22. Review status: criteria provided, single submitter. Criteria: Invitae Variant Classification Sherloc (09022015). Collection method: clinical testing. Allele origin: germline.
Comment: In summary, the available evidence is currently insufficient to determine the role of this variant in disease. Therefore, it has been classified as a Variant of Uncertain Significance. Algorithms developed to predict the effect of missense changes on protein structure and function output the following: SIFT: "Deleterious"; PolyPhen-2: "Possibly Damaging"; Align-GVGD: "Class C0". The lysine amino acid residue is found in multiple mammalian species, suggesting that this missense change does not adversely affect protein function. These predictions have not been confirmed by published functional studies and their clinical significance is uncertain. This variant has not been reported in the literature in individuals with CCDC114-related conditions. This variant is not present in population databases (ExAC no frequency). This sequence change replaces arginine with lysine at codon 124 of the CCDC114 protein (p.Arg124Lys). The arginine residue is highly conserved and there is a small physicochemical difference between arginine and lysine.